The following is an entry in ClinVar:

NM_152468.5(TMC8):c.371T>C (p.Leu124Pro)

Genes: TMC8 (transmembrane channel like 8; plus strand), LOC130061793 (ATAC-STARR-seq lymphoblastoid silent region 9044; plus strand). Cytogenetic location: 17q25.3.
Variant type: single nucleotide variant.
Coding change: c.371T>C on transcript NM_152468.5 (MANE Select); coding-DNA position 371, T replaced by C.
Protein change: p.Leu124Pro; replaces leucine 124 with proline.
Molecular consequence: missense variant.
Genome position (GRCh38, 1-based): chr17:78,132,431, T>C. VCF-style: chr17-78132431-T-C. GRCh37 (hg19) VCF-style: chr17-76128512-T-C.
Other names: short protein forms L124P.
Identifiers: ClinVar variation 2094845 (VCV002094845.4), dbSNP rs2510756158, ClinGen allele CA401241799.

ClinVar aggregate classification (germline): Uncertain significance (1 of 4 stars; one submission).

Conditions:
Epidermodysplasia verruciformis. Identifiers: Orphanet 302, MedGen C0014522, MONDO:0009176.

Submission:

Labcorp Genetics (formerly Invitae), Labcorp
Classification: Uncertain significance for Epidermodysplasia verruciformis. Last evaluated: 2024-02-24. Review status: criteria provided, single submitter. Criteria: Invitae Variant Classification Sherloc (09022015). Collection method: clinical testing. Allele origin: germline.
Comment: This sequence change replaces leucine, which is neutral and non-polar, with proline, which is neutral and non-polar, at codon 124 of the TMC8 protein (p.Leu124Pro). This variant is not present in population databases (gnomAD no frequency). This variant has not been reported in the literature in individuals affected with TMC8-related conditions. ClinVar contains an entry for this variant (Variation ID: 2094845). Advanced modeling of protein sequence and biophysical properties (such as structural, functional, and spatial information, amino acid conservation, physicochemical variation, residue mobility, and thermodynamic stability) performed at Invitae indicates that this missense variant is not expected to disrupt TMC8 protein function with a negative predictive value of 80%. In summary, the available evidence is currently insufficient to determine the role of this variant in disease. Therefore, it has been classified as a Variant of Uncertain Significance.